The following is an entry in ClinVar:

NM_000257.4(MYH7):c.1405G>T (p.Asp469Tyr)

Gene: MYH7 (myosin heavy chain 7; minus strand). Cytogenetic location: 14q11.2.
Variant type: single nucleotide variant.
Coding change: c.1405G>T on transcript NM_000257.4 (MANE Select); coding-DNA position 1405, G replaced by T.
Protein change: p.Asp469Tyr; replaces aspartic acid 469 with tyrosine.
Molecular consequence: missense variant.
Genome position (GRCh38, 1-based): chr14:23,428,957, C>A on the plus strand (G>T on the coding strand, the complement: MYH7 is on the minus strand). VCF-style: chr14-23428957-C-A. GRCh37 (hg19) VCF-style: chr14-23898166-C-A.
Other names: short protein forms D469Y.
Identifiers: ClinVar variation 42844 (VCV000042844.18), dbSNP rs397516106, ClinGen allele CA010710.

ClinVar aggregate classification (germline): Conflicting classifications of pathogenicity. Review status: criteria provided, conflicting classifications (1 of 4 stars). 7 submissions from 7 submitters: Likely pathogenic (3); Uncertain significance (3). 1 of the submissions does not count toward it. Last evaluated 2026-09-16.

Conditions:
Dilated cardiomyopathy 1S (CMD1S). Identifiers: Orphanet 154, Orphanet 54260, MedGen C1834481, MONDO:0013262, OMIM 613426.
MYH7-related disorder. Also called: MYH7-related disorders; MYH7-related condition; MYH7-related disease.
Cardiovascular phenotype. Identifiers: MedGen CN230736.
Cardiomyopathy (CMYO). Also called: Cardiomyopathies. Identifiers: Orphanet 167848, MedGen C0878544, MONDO:0004994, HP:0001638. Inheritance: Various modes of inheritance.
Hypertrophic cardiomyopathy. Also called: HYPERTROPHIC MYOCARDIOPATHY. Identifiers: Orphanet 217569, MedGen C0007194, MeSH D002312, MONDO:0005045, HP:0001639.

Submissions (7):

Molecular Diagnostic Laboratory for Inherited Cardiovascular Disease, Montreal Heart Institute
Classification: Likely pathogenic for Cardiovascular phenotype. Last evaluated: 2026-09-16. Review status: criteria provided, single submitter. Criteria: ACMG Guidelines, 2015. Collection method: clinical testing. Allele origin: germline. Affected: yes.
Comment: PS4_supp, PM1, PM2, PP3

Labcorp Genetics (formerly Invitae), Labcorp
Classification: Uncertain significance for Hypertrophic cardiomyopathy. Last evaluated: 2025-11-05. Review status: criteria provided, single submitter. Criteria: Invitae Variant Classification Sherloc (09022015). Collection method: clinical testing. Allele origin: germline.
Comment: This sequence change replaces aspartic acid, which is acidic and polar, with tyrosine, which is neutral and polar, at codon 469 of the MYH7 protein (p.Asp469Tyr). This variant is not present in population databases (gnomAD no frequency). This missense change has been observed in individual(s) with dilated cardiomyopathy (PMID: 22464770, 27532257, 37652022). ClinVar contains an entry for this variant (Variation ID: 42844). An algorithm developed to predict the effect of missense changes on protein structure and function (PolyPhen-2) suggests that this variant is likely to be disruptive. This variant is found within a region of MYH7 between codons 181 and 937 that contains the majority of the myosin head domain. Missense variants in this region have been shown to be significantly overrepresented in individuals with hypertrophic cardiomyopathy (PMID: 27532257). In summary, the available evidence is currently insufficient to determine the role of this variant in disease. Therefore, it has been classified as a Variant of Uncertain Significance.

GeneDx
Classification: Uncertain significance. Last evaluated: 2024-05-13. Review status: criteria provided, single submitter. Criteria: GeneDx Variant Classification Process June 2021. Collection method: clinical testing. Allele origin: germline. Affected: yes.
Comment: Not observed at significant frequency in large population cohorts (gnomAD); In silico analysis supports that this missense variant has a deleterious effect on protein structure/function; This variant is associated with the following publications: (PMID: 27532257, 29300372, 22464770, 37652022)

Blueprint Genetics
Classification: Likely pathogenic for MYH7-related disorders. Last evaluated: 2021-12-15. Review status: criteria provided, single submitter. Criteria: ACMG Guidelines, 2015. Collection method: clinical testing. Allele origin: germline. Affected: yes. Observed: 1 variant allele.

Center for Advanced Laboratory Medicine, UC San Diego Health, University of California San Diego
Classification: Uncertain significance for Cardiomyopathy. Last evaluated: 2019-01-24. Review status: criteria provided, single submitter. Criteria: ACMG Guidelines, 2015. Collection method: clinical testing. Allele origin: germline. Affected: yes. Observed: 1 variant allele.

3billion
Classification: Likely pathogenic for Dilated cardiomyopathy 1S. Review status: criteria provided, single submitter. Criteria: ACMG Guidelines, 2015. Collection method: clinical testing. Allele origin: unknown. Affected: yes. Observed: 1 heterozygote.
Comment: The variant is not observed in the gnomAD v2.1.1 dataset. The variant is located in a mutational hot spot and/or well-established functional domain in which established pathogenic variants have been reported (PMID:. 29300372. Predicted Consequence/Location:). In silico tool predictions suggest damaging effect of the variant on gene or gene product (REVEL: 0.81; 3Cnet: 0.93). Same nucleotide change resulting in same amino acid change has been previously reported to be associated with MYH7 related disorder (PMID: 22464770). Therefore, this variant is classified as Likely pathogenic according to the recommendation of ACMG/AMP guideline.

Laboratory for Molecular Medicine, Mass General Brigham Personalized Medicine
Classification: Uncertain significance. Last evaluated: 2014-01-02. Review status: no assertion criteria provided. Collection method: clinical testing. Allele origin: germline. Observed: 4 variant alleles. Not counted in ClinVar's aggregate classification.
Comment: proposed classification - variant undergoing re-assessment, contact laboratory

Literature cited by the submitters: PubMed 22464770 (cited by Labcorp Genetics (formerly Invitae), Labcorp and 3billion); PubMed 27532257 (cited by Labcorp Genetics (formerly Invitae), Labcorp); PubMed 37652022 (cited by Labcorp Genetics (formerly Invitae), Labcorp); PubMed 29300372 (cited by 3billion).